The following is an entry in ClinVar:

NM_144668.6(CFAP251):c.1068C>T (p.His356=)

Gene: CFAP251 (cilia and flagella associated protein 251; plus strand). Cytogenetic location: 12q24.31.
Variant type: single nucleotide variant.
Coding change: c.1068C>T on transcript NM_144668.6 (MANE Select); coding-DNA position 1068, C replaced by T.
Protein change: p.His356=; no amino-acid change (histidine 356 retained).
Molecular consequence: synonymous variant.
Genome position (GRCh38, 1-based): chr12:121,942,603, C>T. VCF-style: chr12-121942603-C-T. GRCh37 (hg19) VCF-style: chr12-122380509-C-T.
Other names: c.1068C>T, p.His356= (NM_001178003.2).
Identifiers: ClinVar variation 3046256 (VCV003046256.2), dbSNP rs200313633, ClinGen allele CA6840499.

ClinVar aggregate classification (germline): Benign (0 of 4 stars; one submission).

Conditions:
CFAP251-related disorder. Also called: CFAP251-related condition.

Allele frequency attached by ClinVar (database versions not stated): ExAC 0.00056; ESP Exome Variant Server 0.00064.
gnomAD v4.1: 1,300 of 1,613,480 alleles (0.081%); highest among the groups gnomAD compares: Non-Finnish European, 0.079%; 3 homozygotes.

Submission:

PreventionGenetics, part of Exact Sciences
Classification: Benign for CFAP251-related condition. Last evaluated: 2019-10-28. Review status: no assertion criteria provided. Collection method: clinical testing. Allele origin: germline.
Comment: This variant is classified as benign based on ACMG/AMP sequence variant interpretation guidelines (Richards et al. 2015 PMID: 25741868, with internal and published modifications).